The following is an entry in ClinVar:

NM_006206.6(PDGFRA):c.1409C>G (p.Ser470Ter)

Gene: PDGFRA (platelet derived growth factor receptor alpha; plus strand). Cytogenetic location: 4q12.
Variant type: single nucleotide variant.
Coding change: c.1409C>G on transcript NM_006206.6 (MANE Select); coding-DNA position 1409, C replaced by G.
Protein change: p.Ser470Ter; replaces serine 470 with a stop codon.
Molecular consequence: nonsense.
Genome position (GRCh38, 1-based): chr4:54,273,581, C>G. VCF-style: chr4-54273581-C-G. GRCh37 (hg19) VCF-style: chr4-55139748-C-G.
Other names: c.1409C>G, p.Ser470Ter (NM_001347827.2, NM_001347829.2); c.1484C>G, p.Ser495Ter (NM_001347828.2); c.1448C>G, p.Ser483Ter (NM_001347830.2); short protein forms S470*, S483*, S495*.
Identifiers: ClinVar variation 1060261 (VCV001060261.7), dbSNP rs2110291681, ClinGen allele CA356892511.
Genomic context (GRCh38, chr4:54,273,581, plus strand): 5'-CCCTTTTTCTCTCTAGATGTAATAATGAAACTTCCTGGACTATTTTGGCCAACAATGTCT[C>G]AAACATCATCACGGAGATCCACTCCCGAGACAGGAGTACCGTGGAGGGCCGTGTGACTTT-3'

ClinVar aggregate classification (germline): Uncertain significance (1 of 4 stars; one submission).

Conditions:
Gastrointestinal stromal tumor. Also called: Gastrointestinal stromal tumor, somatic; Gastrointestinal stroma tumor. Identifiers: Orphanet 44890, MedGen C0238198, MeSH D046152, MONDO:0011719, OMIM 606764, HP:0100723.

Submission:

Labcorp Genetics (formerly Invitae), Labcorp
Classification: Uncertain significance for Gastrointestinal stromal tumor. Last evaluated: 2020-03-24. Review status: criteria provided, single submitter. Criteria: Invitae Variant Classification Sherloc (09022015). Collection method: clinical testing. Allele origin: germline.
Comment: This sequence change creates a premature translational stop signal (p.Ser470*) in the PDGFRA gene. It is expected to result in an absent or disrupted protein product. This variant is not present in population databases (ExAC no frequency). This variant has not been reported in the literature in individuals with PDGFRA-related conditions. The current clinical and genetic evidence is not sufficient to establish whether loss-of-function variants in PDGFRA cause disease. In summary, the available evidence is currently insufficient to determine the role of this variant in disease. Therefore, it has been classified as a Variant of Uncertain Significance.